The following is an entry in ClinVar:

NM_001903.5(CTNNA1):c.1333G>C (p.Glu445Gln)

Gene: CTNNA1 (catenin alpha 1; plus strand). Cytogenetic location: 5q31.2.
Variant type: single nucleotide variant.
Coding change: c.1333G>C on transcript NM_001903.5 (MANE Select); coding-DNA position 1333, G replaced by C.
Protein change: p.Glu445Gln; replaces glutamic acid 445 with glutamine.
Molecular consequence: missense variant. On other transcripts: 5 prime UTR variant (6), intron variant (3).
Genome position (GRCh38, 1-based): chr5:138,904,385, G>C. VCF-style: chr5-138904385-G-C. GRCh37 (hg19) VCF-style: chr5-138240074-G-C.
Other names: c.1333G>C, p.Glu445Gln (NM_001290307.3, NM_001323982.2, NM_001323983.1 and 2 more transcripts); c.1024G>C, p.Glu342Gln (NM_001290309.3); c.964G>C, p.Glu322Gln (NM_001290310.3); c.223G>C, p.Glu75Gln (NM_001290312.1, NM_001323987.1, NM_001323988.1 and 17 more transcripts); c.-175G>C (NM_001324006.1, NM_001324007.1, NM_001324008.1 and 1 more transcripts); c.-21G>C (NM_001324012.1, NM_001324013.1); c.1297-13357G>C (NM_001323986.2); c.187-13357G>C (NM_001324011.1); and 1 more; short protein forms E75Q, E322Q, E342Q, E445Q.
Identifiers: ClinVar variation 1770202 (VCV001770202.2), dbSNP rs2533352968, ClinGen allele CA361135938.

ClinVar aggregate classification (germline): Uncertain significance (1 of 4 stars; one submission).

Conditions:
Hereditary cancer-predisposing syndrome. Also called: Hereditary Cancer Syndrome; Hereditary neoplastic syndrome; Neoplastic Syndromes, Hereditary; Tumor predisposition. Identifiers: Orphanet 140162, MedGen C0027672, MeSH D009386, MONDO:0015356.

Submission:

Ambry Genetics
Classification: Uncertain significance for Hereditary cancer-predisposing syndrome. Last evaluated: 2022-03-01. Review status: criteria provided, single submitter. Criteria: Ambry Variant Classification Scheme 2023. Collection method: clinical testing. Allele origin: germline.
Comment: The p.E445Q variant (also known as c.1333G>C), located in coding exon 9 of the CTNNA1 gene, results from a G to C substitution at nucleotide position 1333. The glutamic acid at codon 445 is replaced by glutamine, an amino acid with highly similar properties. This amino acid position is conserved. In addition, the in silico prediction for this alteration is inconclusive. Since supporting evidence is limited at this time, the clinical significance of this alteration remains unclear.